The following is an entry in ClinVar:

NM_000535.7(PMS2):c.2352T>A (p.Asp784Glu)

Gene: PMS2 (PMS1 homolog 2, mismatch repair system component; minus strand). Cytogenetic location: 7p22.1.
Variant type: single nucleotide variant.
Coding change: c.2352T>A on transcript NM_000535.7 (MANE Select); coding-DNA position 2352, T replaced by A.
Protein change: p.Asp784Glu; replaces aspartic acid 784 with glutamic acid.
Molecular consequence: missense variant. On other transcripts: non-coding transcript variant (1).
Genome position (GRCh38, 1-based): chr7:5,977,681, A>T on the plus strand (T>A on the coding strand, the complement: PMS2 is on the minus strand). VCF-style: chr7-5977681-A-T. GRCh37 (hg19) VCF-style: chr7-6017312-A-T.
Other names: c.1419T>A, p.Asp473Glu (NM_001322011.2, NM_001322012.2); c.1779T>A, p.Asp593Glu (NM_001322013.2, NM_001406908.1, NM_001406909.1); c.2385T>A, p.Asp795Glu (NM_001322014.2); c.2043T>A, p.Asp681Glu (NM_001322015.2, NM_001406877.1, NM_001406878.1 and 4 more transcripts); c.2538T>A, p.Asp846Glu (NM_001406866.1); c.2376T>A, p.Asp792Glu (NM_001406868.1); c.2244T>A, p.Asp748Glu (NM_001406869.1); c.2229T>A, p.Asp743Glu (NM_001406870.1); and 20 more; short protein forms D678E, D681E, D748E, D846E, D545E, D593E, D597E, D626E.
Identifiers: ClinVar variation 3647333 (VCV003647333.2).
Genomic context (GRCh38, chr7:5,977,681, plus strand): 5'-CTTGACTCGGGAAGGCCGGCACATGACCCCAGGGCTGTCGCTCAGCATGAAGATCAGTTC[A>T]TCGACGTCCTGGGGTCCGAAGGTCCAGTTTTTACTAGTTGGCAAGGAAATCAGTTTAGCC-3'
Protein context (NP_000526.2, residues 774-794): KNWTFGPQDV[Asp784Glu]ELIFMLSDSP

ClinVar aggregate classification (germline): Uncertain significance (1 of 4 stars; one submission).

Conditions:
Hereditary nonpolyposis colorectal neoplasms. Identifiers: MedGen C0009405, MeSH D003123.

Submission:

Labcorp Genetics (formerly Invitae), Labcorp
Classification: Uncertain significance for Hereditary nonpolyposis colorectal neoplasms. Last evaluated: 2024-03-23. Review status: criteria provided, single submitter. Criteria: Invitae Variant Classification Sherloc (09022015). Collection method: clinical testing. Allele origin: germline.
Comment: This sequence change replaces aspartic acid, which is acidic and polar, with glutamic acid, which is acidic and polar, at codon 784 of the PMS2 protein (p.Asp784Glu). The frequency data for this variant in the population databases (gnomAD) is considered unreliable due to the presence of homologous sequence, such as pseudogenes or paralogs, in the genome. This variant has not been reported in the literature in individuals affected with PMS2-related conditions. Advanced modeling of protein sequence and biophysical properties (such as structural, functional, and spatial information, amino acid conservation, physicochemical variation, residue mobility, and thermodynamic stability) performed at Invitae indicates that this missense variant is not expected to disrupt PMS2 protein function with a negative predictive value of 80%. In summary, the available evidence is currently insufficient to determine the role of this variant in disease. Therefore, it has been classified as a Variant of Uncertain Significance.